The following is an entry in ClinVar:

ClinVar aggregate classification (germline): Uncertain significance (1 of 4 stars; one submission).

Conditions:
Combined oxidative phosphorylation defect type 17. Also called: Combined oxidative phosphorylation deficiency 17. Identifiers: Orphanet 369913, MedGen C3809526, MONDO:0014190, OMIM 615440.

Submission:

Labcorp Genetics (formerly Invitae), Labcorp
Classification: Uncertain significance for Combined oxidative phosphorylation defect type 17. Last evaluated: 2021-08-30. Review status: criteria provided, single submitter. Criteria: Invitae Variant Classification Sherloc (09022015). Collection method: clinical testing. Allele origin: germline.
Comment: This sequence change replaces alanine with glycine at codon 820 of the ELAC2 protein (p.Ala820Gly). The alanine residue is weakly conserved and there is a small physicochemical difference between alanine and glycine. This variant is not present in population databases (ExAC no frequency). This variant has not been reported in the literature in individuals affected with ELAC2-related conditions. Algorithms developed to predict the effect of missense changes on protein structure and function output the following: SIFT: "Tolerated"; PolyPhen-2: "Benign"; Align-GVGD: "Class C0". The glycine amino acid residue is found in multiple mammalian species, which suggests that this missense change does not adversely affect protein function. In summary, the available evidence is currently insufficient to determine the role of this variant in disease. Therefore, it has been classified as a Variant of Uncertain Significance.

NM_018127.7(ELAC2):c.2459C>G (p.Ala820Gly)

Gene: ELAC2 (elaC ribonuclease Z 2; minus strand). Cytogenetic location: 17p12.
Variant type: single nucleotide variant.
Coding change: c.2459C>G on transcript NM_018127.7 (MANE Select); coding-DNA position 2459, C replaced by G.
Protein change: p.Ala820Gly; replaces alanine 820 with glycine.
Molecular consequence: missense variant.
Genome position (GRCh38, 1-based): chr17:12,992,840, G>C on the plus strand (C>G on the coding strand, the complement: ELAC2 is on the minus strand). VCF-style: chr17-12992840-G-C. GRCh37 (hg19) VCF-style: chr17-12896157-G-C.
Other names: c.2339C>G, p.Ala780Gly (NM_001165962.2); c.2456C>G, p.Ala819Gly (NM_173717.2); short protein forms A780G, A819G, A820G.
Identifiers: ClinVar variation 1386049 (VCV001386049.5), dbSNP rs1412024900, ClinGen allele CA398222038.